The following is an entry in ClinVar:

ClinVar aggregate classification (germline): Uncertain significance (1 of 4 stars; one submission).

Submission:

CeGaT Center for Human Genetics Tuebingen
Classification: Uncertain significance. Last evaluated: 2023-03-01. Review status: criteria provided, single submitter. Criteria: CeGaT Center For Human Genetics Tuebingen Variant Classification Criteria Version 2. Collection method: clinical testing. Allele origin: germline. Affected: yes. Observed: 1 variant allele.
Comment: TTN: PM2, BP1

NM_001267550.2(TTN):c.502C>T (p.Pro168Ser)

Gene: TTN (titin; minus strand). Cytogenetic location: 2q31.2.
Variant type: single nucleotide variant.
Coding change: c.502C>T on transcript NM_001267550.2 (MANE Select); coding-DNA position 502, C replaced by T.
Protein change: p.Pro168Ser; replaces proline 168 with serine.
Molecular consequence: missense variant.
Genome position (GRCh38, 1-based): chr2:178,800,476, G>A on the plus strand (C>T on the coding strand, the complement: TTN is on the minus strand). VCF-style: chr2-178800476-G-A. GRCh37 (hg19) VCF-style: chr2-179665203-G-A.
Other names: c.502C>T, p.Pro168Ser (NM_001256850.1, NM_003319.4, NM_133378.4 and 3 more transcripts); short protein forms P168S.
Identifiers: ClinVar variation 2651730 (VCV002651730.24), dbSNP rs2534364171, ClinGen allele CA349527265.